The following is an entry in ClinVar:

NM_014049.5(ACAD9):c.662A>G (p.Asn221Ser)

Gene: ACAD9 (acyl-CoA dehydrogenase family member 9; plus strand). Cytogenetic location: 3q21.3.
Variant type: single nucleotide variant.
Coding change: c.662A>G on transcript NM_014049.5 (MANE Select); coding-DNA position 662, A replaced by G.
Protein change: p.Asn221Ser; replaces asparagine 221 with serine.
Molecular consequence: missense variant. On other transcripts: non-coding transcript variant (1).
Genome position (GRCh38, 1-based): chr3:128,899,315, A>G. VCF-style: chr3-128899315-A-G. GRCh37 (hg19) VCF-style: chr3-128618158-A-G.
Other names: short protein forms N221S.
Identifiers: ClinVar variation 379494 (VCV000379494.5), dbSNP rs761452056, ClinGen allele CA2601241.

ClinVar aggregate classification (germline): Conflicting classifications of pathogenicity. Review status: criteria provided, conflicting classifications (1 of 4 stars). 3 submissions from 3 submitters: Uncertain significance (2); Likely benign (1). Last evaluated 2026-01-15.

Conditions:
Acyl-CoA dehydrogenase 9 deficiency. Also called: Acyl-CoA dehydrogenase family, member 9, deficiency of; MITOCHONDRIAL COMPLEX I DEFICIENCY, NUCLEAR TYPE 20. Identifiers: Orphanet 99901, MedGen C4747517, MONDO:0012624, OMIM 611126.

Allele frequency attached by ClinVar (database versions not stated): gnomAD 0.00003; TOPMed 0.00003; ExAC 0.00004; gnomAD exomes 0.00004 and 0.00010.
gnomAD v4.1: 151 of 1,614,120 alleles (0.0094%); highest among the groups gnomAD compares: Middle Eastern, 0.016%; no homozygotes.

Submissions (3):

Labcorp Genetics (formerly Invitae), Labcorp
Classification: Uncertain significance. Last evaluated: 2026-01-15. Review status: criteria provided, single submitter. Criteria: Invitae Variant Classification Sherloc (09022015). Collection method: clinical testing. Allele origin: germline.
Comment: This sequence change replaces asparagine, which is neutral and polar, with serine, which is neutral and polar, at codon 221 of the ACAD9 protein (p.Asn221Ser). This variant is present in population databases (rs761452056, gnomAD 0.01%). This variant has not been reported in the literature in individuals affected with ACAD9-related conditions. ClinVar contains an entry for this variant (Variation ID: 379494). Invitae Evidence Modeling of protein sequence and biophysical properties (such as structural, functional, and spatial information, amino acid conservation, physicochemical variation, residue mobility, and thermodynamic stability) indicates that this missense variant is not expected to disrupt ACAD9 protein function with a negative predictive value of 80%. In summary, the available evidence is currently insufficient to determine the role of this variant in disease. Therefore, it has been classified as a Variant of Uncertain Significance.

Baylor Genetics
Classification: Uncertain significance for Acyl-CoA dehydrogenase 9 deficiency. Last evaluated: 2018-01-13. Review status: criteria provided, single submitter. Criteria: ACMG Guidelines, 2015. Collection method: clinical testing. Allele origin: maternal. Affected: yes.
Comment: This variant was determined to be of uncertain significance according to ACMG Guidelines, 2015 [PMID:25741868].

GeneDx
Classification: Likely benign. Last evaluated: 2015-04-20. Review status: criteria provided, single submitter. Criteria: GeneDx Variant Classification (06012015). Collection method: clinical testing. Allele origin: germline. Affected: yes.
Comment: This variant is considered likely benign or benign based on one or more of the following criteria: it is a conservative change, it occurs at a poorly conserved position in the protein, it is predicted to be benign by multiple in silico algorithms, and/or has population frequency not consistent with disease.